The following is an entry in ClinVar:

NM_002439.5(MSH3):c.2036T>C (p.Leu679Pro)

Gene: MSH3 (mutS homolog 3; plus strand). Cytogenetic location: 5q14.1.
Variant type: single nucleotide variant.
Coding change: c.2036T>C on transcript NM_002439.5 (MANE Select); coding-DNA position 2036, T replaced by C.
Protein change: p.Leu679Pro; replaces leucine 679 with proline.
Molecular consequence: missense variant.
Genome position (GRCh38, 1-based): chr5:80,768,072, T>C. VCF-style: chr5-80768072-T-C. GRCh37 (hg19) VCF-style: chr5-80063891-T-C.
Other names: c.2036T>C (NM_002439.3); short protein forms L679P.
Identifiers: ClinVar variation 1363252 (VCV001363252.9), dbSNP rs2112884491, ClinGen allele CA360277836.
Genomic context (GRCh38, chr5:80,768,072, plus strand): 5'-TTAATTCCCACATTCAGTCAGACTTGCTCCGGACCGTTATTTTAGAAATTCCTGAACTCC[T>C]CAGTCCAGTGGAGCATTACTTAAAGATACTCAATGAACAAGCTGCCAAGTAAGTACCAGA-3'
Protein context (NP_002430.3, residues 669-689): RTVILEIPEL[Leu679Pro]SPVEHYLKIL

ClinVar aggregate classification (germline): Uncertain significance. Review status: criteria provided, multiple submitters, no conflicts (2 of 4 stars). 2 submissions from 2 submitters: Uncertain significance (2). Last evaluated 2024-05-21.

Conditions:
Hereditary cancer-predisposing syndrome. Also called: Neoplastic Syndromes, Hereditary; Tumor predisposition; Hereditary neoplastic syndrome; Hereditary Cancer Syndrome. Identifiers: Orphanet 140162, MedGen C0027672, MeSH D009386, MONDO:0015356.

Allele frequency attached by ClinVar (database versions not stated): gnomAD exomes below 0.00001.
gnomAD v4.1: 1 of 1,613,796 alleles (0.000062%); highest among the groups gnomAD compares: Non-Finnish European, 0.000085%; no homozygotes.

Submissions (2):

Labcorp Genetics (formerly Invitae), Labcorp
Classification: Uncertain significance. Last evaluated: 2024-05-21. Review status: criteria provided, single submitter. Criteria: Invitae Variant Classification Sherloc (09022015). Collection method: clinical testing. Allele origin: germline.
Comment: This sequence change replaces leucine, which is neutral and non-polar, with proline, which is neutral and non-polar, at codon 679 of the MSH3 protein (p.Leu679Pro). This variant is not present in population databases (gnomAD no frequency). This variant has not been reported in the literature in individuals affected with MSH3-related conditions. ClinVar contains an entry for this variant (Variation ID: 1363252). An algorithm developed to predict the effect of missense changes on protein structure and function (PolyPhen-2) suggests that this variant is likely to be disruptive. In summary, the available evidence is currently insufficient to determine the role of this variant in disease. Therefore, it has been classified as a Variant of Uncertain Significance.

Ambry Genetics
Classification: Uncertain significance for Hereditary cancer-predisposing syndrome. Last evaluated: 2022-11-20. Review status: criteria provided, single submitter. Criteria: Ambry Variant Classification Scheme 2023. Collection method: clinical testing. Allele origin: germline.
Comment: The p.L679P variant (also known as c.2036T>C), located in coding exon 14 of the MSH3 gene, results from a T to C substitution at nucleotide position 2036. The leucine at codon 679 is replaced by proline, an amino acid with similar properties. This amino acid position is conserved. In addition, this alteration is predicted to be deleterious by in silico analysis. Since supporting evidence is limited at this time, the clinical significance of this alteration remains unclear.